The following is an entry in ClinVar:

NM_000079.4(CHRNA1):c.871G>T (p.Val291Leu)

Gene: CHRNA1 (cholinergic receptor nicotinic alpha 1 subunit; minus strand). Cytogenetic location: 2q31.1.
Variant type: single nucleotide variant.
Coding change: c.871G>T on transcript NM_000079.4 (MANE Select); coding-DNA position 871, G replaced by T.
Protein change: p.Val291Leu; replaces valine 291 with leucine.
Molecular consequence: missense variant.
Genome position (GRCh38, 1-based): chr2:174,750,077, C>A on the plus strand (G>T on the coding strand, the complement: CHRNA1 is on the minus strand). VCF-style: chr2-174750077-C-A. GRCh37 (hg19) VCF-style: chr2-175614805-C-A.
Other names: c.946G>T, p.Val316Leu (NM_001039523.3); short protein forms V291L, V316L.
Identifiers: ClinVar variation 4856040 (VCV004856040.1).
Genomic context (GRCh38, chr2:174,750,077, plus strand): 5'-TGATGATGGAGGCAATGACGAACACCATGGTGAACAGCATGTATTTTCCAATCAAGGGCA[C>A]AGCACTGGACGTGGAGGGGATCAGCTCCACGATGACCAGAAGGAACACAGTCAAAGACAG-3'
Protein context (NP_000070.1, residues 281-301): VELIPSTSSA[Val291Leu]PLIGKYMLFT

ClinVar aggregate classification (germline): Uncertain significance (1 of 4 stars; one submission).

Conditions:
CHRNA1-related disorder. Also called: CHRNA1-related condition.

Submission:

3billion
Classification: Uncertain significance for CHRNA1-related disorder. Last evaluated: 2025-08-01. Review status: criteria provided, single submitter. Criteria: ACMG Guidelines, 2015. Collection method: clinical testing. Allele origin: germline. Affected: yes.
Comment: The variant is not observed in the gnomAD v4.1.0 dataset. Predicted Consequence/Location: Missense variant In silico tool predictions suggest damaging effect of the variant on gene or gene product [REVEL: 0.69 (>=0.6, sensitivity 0.68 and specificity 0.92); 3Cnet: 0.80 (> 0.75, sensitivity 0.96 and precision 0.92)]. Therefore, this variant is classified as VUS according to the recommendation of ACMG/AMP guideline.